The following is an entry in ClinVar:

ClinVar aggregate classification (germline): Uncertain significance. Review status: criteria provided, multiple submitters, no conflicts (2 of 4 stars). 3 submissions from 3 submitters: Uncertain significance (3). Last evaluated 2026-01-05.

Allele frequency attached by ClinVar (database versions not stated): gnomAD 0.00002; TOPMed 0.00004; gnomAD exomes 0.00005; ExAC 0.00014; ESP Exome Variant Server 0.00023.
gnomAD v4.1: 77 of 1,613,214 alleles (0.0048%); highest among the groups gnomAD compares: Non-Finnish European, 0.0055%; no homozygotes.

Submissions (3):

Labcorp Genetics (formerly Invitae), Labcorp
Classification: Uncertain significance. Last evaluated: 2026-01-05. Review status: criteria provided, single submitter. Criteria: Invitae Variant Classification Sherloc (09022015). Collection method: clinical testing. Allele origin: germline.
Comment: This sequence change replaces arginine, which is basic and polar, with tryptophan, which is neutral and slightly polar, at codon 203 of the KCNJ13 protein (p.Arg203Trp). This variant is present in population databases (rs143063579, gnomAD 0.02%). This variant has not been reported in the literature in individuals affected with KCNJ13-related conditions. ClinVar contains an entry for this variant (Variation ID: 2199118). Invitae Evidence Modeling of protein sequence and biophysical properties (such as structural, functional, and spatial information, amino acid conservation, physicochemical variation, residue mobility, and thermodynamic stability) indicates that this missense variant is not expected to disrupt KCNJ13 protein function with a negative predictive value of 80%. In summary, the available evidence is currently insufficient to determine the role of this variant in disease. Therefore, it has been classified as a Variant of Uncertain Significance.

Blueprint Genetics
Classification: Uncertain significance. Last evaluated: 2024-07-16. Review status: criteria provided, single submitter. Criteria: ACMG Guidelines, 2015. Collection method: clinical testing. Allele origin: germline.

Ambry Genetics
Classification: Uncertain significance. Last evaluated: 2024-03-29. Review status: criteria provided, single submitter. Criteria: Ambry Variant Classification Scheme 2023. Collection method: clinical testing. Allele origin: germline.

NM_002242.4(KCNJ13):c.607C>T (p.Arg203Trp)

Genes: GIGYF2 (GRB10 interacting GYF protein 2; plus strand), KCNJ13 (potassium inwardly rectifying channel subfamily J member 13; minus strand). Cytogenetic location: 2q37.1.
Variant type: single nucleotide variant.
Coding change: c.607C>T on transcript NM_002242.4 (MANE Select); coding-DNA position 607, C replaced by T.
Protein change: p.Arg203Trp; replaces arginine 203 with tryptophan.
Molecular consequence: missense variant. On other transcripts: 3 prime UTR variant (1), intron variant (4).
Genome position (GRCh38, 1-based): chr2:232,768,667, G>A on the plus strand (C>T on the coding strand, the complement: KCNJ13 is on the minus strand). VCF-style: chr2-232768667-G-A. GRCh37 (hg19) VCF-style: chr2-233633377-G-A.
Other names: c.*86C>T (NM_001172416.1); c.367C>T, p.Arg123Trp (NM_001172417.1); c.532+7231G>A (NM_001103146.3, NM_015575.4, NM_001103147.2 and 1 more transcripts); short protein forms R123W, R203W.
Identifiers: ClinVar variation 2199118 (VCV002199118.6), dbSNP rs143063579, ClinGen allele CA2170007.